The following is an entry in ClinVar:

NM_018684.4(ZC4H2):c.550C>T (p.Pro184Ser)

Gene: ZC4H2 (zinc finger C4H2-type containing; minus strand). Cytogenetic location: Xq11.2.
Variant type: single nucleotide variant.
Coding change: c.550C>T on transcript NM_018684.4 (MANE Select); coding-DNA position 550, C replaced by T.
Protein change: p.Pro184Ser; replaces proline 184 with serine.
Molecular consequence: missense variant. On other transcripts: non-coding transcript variant (1), intron variant (1).
Genome position (GRCh38, 1-based): chrX:64,919,053, G>A on the plus strand (C>T on the coding strand, the complement: ZC4H2 is on the minus strand). VCF-style: chrX-64919053-G-A. GRCh37 (hg19) VCF-style: chrX-64138933-G-A.
Other names: c.481C>T, p.Pro161Ser (NM_001178032.3, NM_001243804.2); c.398+1028C>T (NM_001178033.3); c.550C>T (NM_018684.3); short protein forms P184S, P161S.
Identifiers: ClinVar variation 2835733 (VCV002835733.4), dbSNP rs2519691754, ClinGen allele CA413411338.

ClinVar aggregate classification (germline): Uncertain significance. Review status: criteria provided, multiple submitters, no conflicts (2 of 4 stars). 2 submissions from 2 submitters: Uncertain significance (2). Last evaluated 2025-02-13.

Submissions (2):

GeneDx
Classification: Uncertain significance. Last evaluated: 2025-02-13. Review status: criteria provided, single submitter. Criteria: GeneDx Variant Classification Process June 2021. Collection method: clinical testing. Allele origin: germline. Affected: yes.
Comment: In silico analysis supports that this missense variant has a deleterious effect on protein structure/function; Has not been previously published as pathogenic or benign to our knowledge

Labcorp Genetics (formerly Invitae), Labcorp
Classification: Uncertain significance. Last evaluated: 2023-07-10. Review status: criteria provided, single submitter. Criteria: Invitae Variant Classification Sherloc (09022015). Collection method: clinical testing. Allele origin: germline.
Comment: In summary, the available evidence is currently insufficient to determine the role of this variant in disease. Therefore, it has been classified as a Variant of Uncertain Significance. An algorithm developed to predict the effect of missense changes on protein structure and function (PolyPhen-2) suggests that this variant is likely to be disruptive. This variant has not been reported in the literature in individuals affected with ZC4H2-related conditions. This variant is not present in population databases (gnomAD no frequency). This sequence change replaces proline, which is neutral and non-polar, with serine, which is neutral and polar, at codon 184 of the ZC4H2 protein (p.Pro184Ser).